The following is an entry in ClinVar:

NM_021957.4(GYS2):c.1891-3C>G

Gene: GYS2 (glycogen synthase 2; minus strand). Cytogenetic location: 12p12.1.
Variant type: single nucleotide variant.
Coding change: c.1891-3C>G on transcript NM_021957.4 (MANE Select); 3 bases into the intron before coding-DNA position 1891, C replaced by G.
Molecular consequence: intron variant.
Genome position (GRCh38, 1-based): chr12:21,537,178, G>C on the plus strand (C>G on the coding strand, the complement: GYS2 is on the minus strand). VCF-style: chr12-21537178-G-C. GRCh37 (hg19) VCF-style: chr12-21690112-G-C.
Other names: p.?.
Identifiers: ClinVar variation 4541702 (VCV004541702.1).

ClinVar aggregate classification (germline): Uncertain significance (1 of 4 stars; one submission).

gnomAD v4.1: 56 of 1,605,500 alleles (0.0035%); highest among the groups gnomAD compares: Non-Finnish European, 0.0048%; no homozygotes.

Submission:

Mayo Clinic Laboratories, Mayo Clinic
Classification: Uncertain significance. Last evaluated: 2025-08-19. Review status: criteria provided, single submitter. Criteria: ACMG Guidelines, 2015. Collection method: clinical testing. Allele origin: germline. Observed: 1 variant allele.
Comment: PM2_supporting, PVS1_moderate